The following is an entry in ClinVar:

ClinVar aggregate classification (germline): Uncertain significance (1 of 4 stars; one submission).

Allele frequency attached by ClinVar (database versions not stated): gnomAD exomes below 0.00001.
gnomAD v4.1: 1 of 1,614,204 alleles (0.000062%); highest among the groups gnomAD compares: Non-Finnish European, 0.000085%; no homozygotes.

Submission:

Labcorp Genetics (formerly Invitae), Labcorp
Classification: Uncertain significance. Last evaluated: 2021-01-15. Review status: criteria provided, single submitter. Criteria: Invitae Variant Classification Sherloc (09022015). Collection method: clinical testing. Allele origin: germline.
Comment: This sequence change replaces glutamine with arginine at codon 1774 of the MTOR protein (p.Gln1774Arg). The glutamine residue is moderately conserved and there is a small physicochemical difference between glutamine and arginine. This variant is not present in population databases (ExAC no frequency). This variant has not been reported in the literature in individuals with MTOR-related disease. Algorithms developed to predict the effect of missense changes on protein structure and function (SIFT, PolyPhen-2, Align-GVGD) all suggest that this variant is likely to be tolerated, but these predictions have not been confirmed by published functional studies and their clinical significance is uncertain. In summary, the available evidence is currently insufficient to determine the role of this variant in disease. Therefore, it has been classified as a Variant of Uncertain Significance.

NM_004958.4(MTOR):c.5321A>G (p.Gln1774Arg)

Gene: MTOR (mechanistic target of rapamycin kinase; minus strand). Cytogenetic location: 1p36.22.
Variant type: single nucleotide variant.
Coding change: c.5321A>G on transcript NM_004958.4 (MANE Select); coding-DNA position 5321, A replaced by G.
Protein change: p.Gln1774Arg; replaces glutamine 1774 with arginine.
Molecular consequence: missense variant.
Genome position (GRCh38, 1-based): chr1:11,133,123, T>C on the plus strand (A>G on the coding strand, the complement: MTOR is on the minus strand). VCF-style: chr1-11133123-T-C. GRCh37 (hg19) VCF-style: chr1-11193180-T-C.
Other names: short protein forms Q1774R.
Identifiers: ClinVar variation 1025277 (VCV001025277.8), dbSNP rs1216317039, ClinGen allele CA338399843.